The following is an entry in ClinVar:

NM_001287491.2(TET3):c.3300C>T (p.Cys1100=)

Gene: TET3 (tet methylcytosine dioxygenase 3; plus strand). Cytogenetic location: 2p13.1.
Variant type: single nucleotide variant.
Coding change: c.3300C>T on transcript NM_001287491.2 (MANE Select); coding-DNA position 3300, C replaced by T.
Protein change: p.Cys1100=; no amino-acid change (cysteine 1100 retained).
Molecular consequence: synonymous variant.
Genome position (GRCh38, 1-based): chr2:74,099,308, C>T. VCF-style: chr2-74099308-C-T. GRCh37 (hg19) VCF-style: chr2-74326435-C-T.
Other names: c.3021C>T, p.Cys1007= (NM_001366022.1); c.2895C>T, p.Cys965= (NM_144993.1).
Identifiers: ClinVar variation 2651046 (VCV002651046.24), dbSNP rs779499652, ClinGen allele CA1718984.

ClinVar aggregate classification (germline): Likely benign (1 of 4 stars; one submission).

Allele frequency attached by ClinVar (database versions not stated): ExAC 0.00001; TOPMed 0.00001; gnomAD exomes 0.00002; gnomAD 0.00006.
gnomAD v4.1: 31 of 1,609,406 alleles (0.0019%); highest among the groups gnomAD compares: Middle Eastern, 0.049%; no homozygotes.

Submission:

CeGaT Center for Human Genetics Tuebingen
Classification: Likely benign. Last evaluated: 2023-06-01. Review status: criteria provided, single submitter. Criteria: CeGaT Center For Human Genetics Tuebingen Variant Classification Criteria Version 2. Collection method: clinical testing. Allele origin: germline. Affected: yes. Observed: 1 variant allele.
Comment: TET3: BP4, BP7